The following is an entry in ClinVar:

ClinVar aggregate classification (germline): Uncertain significance. Review status: criteria provided, multiple submitters, no conflicts (2 of 4 stars). 2 submissions from 2 submitters: Uncertain significance (2). Last evaluated 2026-04-01.

Conditions:
MKKS-related disorder. Also called: MKKS-related disorders; MKKS-related condition.
Bardet-Biedl syndrome (BBS). Identifiers: Orphanet 110, MedGen C0752166, MONDO:0015229.
McKusick-Kaufman syndrome (MKKS). Also called: HYDROMETROCOLPOS SYNDROME; HYDROMETROCOLPOS, POSTAXIAL POLYDACTYLY, AND CONGENITAL HEART MALFORMATION. Identifiers: Orphanet 2473, MedGen C0948368, MONDO:0009367, OMIM 236700.

Submissions (2):

PreventionGenetics, part of Exact Sciences
Classification: Uncertain significance for MKKS-related condition. Last evaluated: 2026-04-01. Review status: criteria provided, single submitter. Criteria: ACMG Guidelines, 2015. Collection method: clinical testing. Allele origin: germline.
Comment: The MKKS c.875T>G variant is predicted to result in the amino acid substitution p.Leu292Arg. This variant has been reported in the homozygous state in an individual with Bardet-Biedl syndrome and retinitis pigmentosa (PT8, Table 1, Gupta et al. 2022. PubMed ID: 36284670). It has not been detected in the large population database gnomAD, indicating this variant is rare. Although we suspect that this variant may be pathogenic, at this time, the clinical significance of this variant is uncertain due to the absence of conclusive functional and genetic evidence.

Labcorp Genetics (formerly Invitae), Labcorp
Classification: Uncertain significance for McKusick-Kaufman syndrome; Bardet-Biedl syndrome. Last evaluated: 2022-10-13. Review status: criteria provided, single submitter. Criteria: Invitae Variant Classification Sherloc (09022015). Collection method: clinical testing. Allele origin: germline.
Comment: This missense change has been observed in individual(s) with clinical features of Bardet-Biedl syndrome (Invitae). This sequence change replaces leucine, which is neutral and non-polar, with arginine, which is basic and polar, at codon 292 of the MKKS protein (p.Leu292Arg). This variant is not present in population databases (gnomAD no frequency). Algorithms developed to predict the effect of missense changes on protein structure and function (SIFT, PolyPhen-2, Align-GVGD) all suggest that this variant is likely to be disruptive. In summary, the available evidence is currently insufficient to determine the role of this variant in disease. Therefore, it has been classified as a Variant of Uncertain Significance.

NM_170784.3(MKKS):c.875T>G (p.Leu292Arg)

Gene: MKKS (MKKS centrosomal shuttling protein; minus strand). Cytogenetic location: 20p12.2.
Variant type: single nucleotide variant.
Coding change: c.875T>G on transcript NM_170784.3 (MANE Select); coding-DNA position 875, T replaced by G.
Protein change: p.Leu292Arg; replaces leucine 292 with arginine.
Molecular consequence: missense variant.
Genome position (GRCh38, 1-based): chr20:10,412,640, A>C on the plus strand (T>G on the coding strand, the complement: MKKS is on the minus strand). VCF-style: chr20-10412640-A-C. GRCh37 (hg19) VCF-style: chr20-10393288-A-C.
Other names: c.875T>G, p.Leu292Arg (NM_018848.3); short protein forms L292R.
Identifiers: ClinVar variation 2189486 (VCV002189486.6), dbSNP rs2514495538, ClinGen allele CA408232168.